The following is an entry in ClinVar:

NM_002303.6(LEPR):c.1718G>T (p.Arg573Leu)

Gene: LEPR (leptin receptor; plus strand). Cytogenetic location: 1p31.3.
Variant type: single nucleotide variant.
Coding change: c.1718G>T on transcript NM_002303.6 (MANE Select); coding-DNA position 1718, G replaced by T.
Protein change: p.Arg573Leu; replaces arginine 573 with leucine.
Molecular consequence: missense variant.
Genome position (GRCh38, 1-based): chr1:65,608,867, G>T. VCF-style: chr1-65608867-G-T. GRCh37 (hg19) VCF-style: chr1-66074550-G-T.
Other names: c.1718G>T, p.Arg573Leu (NM_001003679.3, NM_001003680.3, NM_001198687.2 and 2 more transcripts); short protein forms R573L.
Identifiers: ClinVar variation 4979643 (VCV004979643.1).

ClinVar aggregate classification (germline): Uncertain significance (1 of 4 stars; one submission).

Conditions:
LEPR-related disorder. Also called: LEPR-related condition; LEPR-related disorders.

gnomAD v4.1: 14 of 1,613,486 alleles (0.00087%); highest among the groups gnomAD compares: African/African-American, 0.019%; no homozygotes.

Submission:

PreventionGenetics, part of Exact Sciences
Classification: Uncertain significance for LEPR-related condition. Last evaluated: 2025-11-11. Review status: criteria provided, single submitter. Criteria: ACMG Guidelines, 2015. Collection method: clinical testing. Allele origin: germline.
Comment: The LEPR c.1718G>T variant is predicted to result in the amino acid substitution p.Arg573Leu. This variant has been reported as an uncertain heterozygous variant in an individual with pediatric obesity (Supplementary Table 1, Roberts et al. 2022. PubMed ID: 35562395). This variant was observed in a cohort of individuals with obesity, and in vitro functional studies showed inconclusive evidence of loss of function (Supplemental Data Set, Shah et al. 2023. PubMed ID: 36864747). This variant is reported in 0.025% of alleles in individuals of African descent in gnomAD. At this time, the clinical significance of this variant is uncertain due to the absence of conclusive functional and genetic evidence.